The following is an entry in ClinVar:

NM_000143.4(FH):c.512G>A (p.Ser171Asn)

Gene: FH (fumarate hydratase; minus strand). Cytogenetic location: 1q43.
Variant type: single nucleotide variant.
Coding change: c.512G>A on transcript NM_000143.4 (MANE Select); coding-DNA position 512, G replaced by A.
Protein change: p.Ser171Asn; replaces serine 171 with asparagine.
Molecular consequence: missense variant.
Genome position (GRCh38, 1-based): chr1:241,512,010, C>T on the plus strand (G>A on the coding strand, the complement: FH is on the minus strand). VCF-style: chr1-241512010-C-T. GRCh37 (hg19) VCF-style: chr1-241675310-C-T.
Other names: short protein forms S171N.
Identifiers: ClinVar variation 947459 (VCV000947459.14), dbSNP rs1157774951, ClinGen allele CA345439938.
Genomic context (GRCh38, chr1:241,512,010, plus strand): 5'-AAAGCTCACATACTGACCTGGCTTTTATTAACATGATCGTTGGGATGCACAGGTATCTTG[C>T]TGCCAAGTTCACCTCCTAACATTTCAATTGCTCTATTGCTAATGACTTCATTTACATTCA-3'
Protein context (NP_000134.2, residues 161-181): AIEMLGGELG[Ser171Asn]KIPVHPNDHV

ClinVar aggregate classification (germline): Uncertain significance. Review status: criteria provided, multiple submitters, no conflicts (2 of 4 stars). 2 submissions from 2 submitters: Uncertain significance (2). Last evaluated 2024-03-24.

Conditions:
Hereditary cancer-predisposing syndrome. Also called: Hereditary neoplastic syndrome; Neoplastic Syndromes, Hereditary; Tumor predisposition; Hereditary Cancer Syndrome. Identifiers: Orphanet 140162, MedGen C0027672, MeSH D009386, MONDO:0015356.

gnomAD v4.1: 1 of 1,613,974 alleles (0.000062%); no homozygotes.

Submissions (2):

Labcorp Genetics (formerly Invitae), Labcorp
Classification: Uncertain significance. Last evaluated: 2024-03-24. Review status: criteria provided, single submitter. Criteria: Invitae Variant Classification Sherloc (09022015). Collection method: clinical testing. Allele origin: germline.
Comment: This sequence change replaces serine, which is neutral and polar, with asparagine, which is neutral and polar, at codon 171 of the FH protein (p.Ser171Asn). This variant is present in population databases (no rsID available, gnomAD 0.007%). This missense change has been observed in individual(s) with clinical features of fumarase deficiency (PMID: 21560188). ClinVar contains an entry for this variant (Variation ID: 947459). Advanced modeling of protein sequence and biophysical properties (such as structural, functional, and spatial information, amino acid conservation, physicochemical variation, residue mobility, and thermodynamic stability) performed at Invitae indicates that this missense variant is expected to disrupt FH protein function with a positive predictive value of 95%. In summary, the available evidence is currently insufficient to determine the role of this variant in disease. Therefore, it has been classified as a Variant of Uncertain Significance.

Ambry Genetics
Classification: Uncertain significance for Hereditary cancer-predisposing syndrome. Last evaluated: 2022-10-19. Review status: criteria provided, single submitter. Criteria: Ambry Variant Classification Scheme 2023. Collection method: clinical testing. Allele origin: germline.
Comment: The p.S171N variant (also known as c.512G>A), located in coding exon 4 of the FH gene, results from a G to A substitution at nucleotide position 512. The serine at codon 171 is replaced by asparagine, an amino acid with highly similar properties. This alteration has been reported as homozygous in an individual with features of fumarate hydratase deficiency (Ottolenghi C et al. Hum Mutat, 2011 Sep;32:1046-52). This amino acid position is highly conserved in available vertebrate species. In addition, the in silico prediction for this alteration is inconclusive. Since supporting evidence is limited at this time, the clinical significance of this alteration remains unclear.

Literature cited by the submitters: PubMed 21560188 (cited by Labcorp Genetics (formerly Invitae), Labcorp and Ambry Genetics).